The following is an entry in ClinVar:

NM_002739.5(PRKCG):c.345C>A (p.Asp115Glu)

Gene: PRKCG (protein kinase C gamma; plus strand). Cytogenetic location: 19q13.42.
Variant type: single nucleotide variant.
Coding change: c.345C>A on transcript NM_002739.5 (MANE Select); coding-DNA position 345, C replaced by A.
Protein change: p.Asp115Glu; replaces aspartic acid 115 with glutamic acid.
Molecular consequence: missense variant.
Genome position (GRCh38, 1-based): chr19:53,889,697, C>A. VCF-style: chr19-53889697-C-A. GRCh37 (hg19) VCF-style: chr19-54392951-C-A.
Other names: c.345C>A, p.Asp115Glu (NM_001316329.2); short protein forms D115E.
Identifiers: ClinVar variation 4527232 (VCV004527232.1).

ClinVar aggregate classification (germline): Uncertain significance (1 of 4 stars; one submission).

Submission:

GeneDx
Classification: Uncertain significance. Last evaluated: 2025-04-22. Review status: criteria provided, single submitter. Criteria: GeneDx Variant Classification Process June 2021. Collection method: clinical testing. Allele origin: germline. Affected: yes.
Comment: Not observed at significant frequency in large population cohorts (gnomAD); In silico analysis supports that this missense variant has a deleterious effect on protein structure/function; Has not been previously published as pathogenic or benign to our knowledge